The following is an entry in ClinVar:

ClinVar aggregate classification (germline): Pathogenic. Review status: criteria provided, single submitter (1 of 4 stars). 2 submissions from 2 submitters: Pathogenic (1). 1 of the submissions does not count toward it. Last evaluated 2023-12-13.

Conditions:
Glycogen storage disease, type VI (GSD6). Also called: Glycogen storage disease type 6; Hepatic glycogen phosphorylase deficiency; Glycogen storage disease type 6, due to phosphorylation; GSD VI; HERS DISEASE; PHOSPHORYLASE DEFICIENCY GLYCOGEN-STORAGE DISEASE OF LIVER. Identifiers: Orphanet 369, MedGen C0017925, MONDO:0009294, OMIM 232700.

Allele frequency attached by ClinVar (database versions not stated): ExAC 0.00001; gnomAD 0.00001; gnomAD exomes 0.00001 and 0.00002; TOPMed 0.00001.

Submissions (2):

GeneDx
Classification: Pathogenic. Last evaluated: 2023-12-13. Review status: criteria provided, single submitter. Criteria: GeneDx Variant Classification Process June 2021. Collection method: clinical testing. Allele origin: germline. Affected: yes.
Comment: Nonsense variant predicted to result in protein truncation or nonsense mediated decay in a gene for which loss of function is a known mechanism of disease; Not observed at significant frequency in large population cohorts (gnomAD); This variant is associated with the following publications: (PMID: 20301760, 25525159, 17705025)

GeneReviews
No classification provided. Condition: Glycogen storage disease, type VI. Review status: no classification provided. Collection method: literature only. Allele origin: unknown. Not counted in ClinVar's aggregate classification.

Literature cited by the submitters: PubMed 17705025 (cited by GeneReviews); PubMed 20301760 (cited by GeneReviews); NCBI Bookshelf NBK5941 (cited by GeneReviews).

NM_002863.5(PYGL):c.1195C>T (p.Arg399Ter)

Gene: PYGL (glycogen phosphorylase L; minus strand). Cytogenetic location: 14q22.1.
Variant type: single nucleotide variant.
Coding change: c.1195C>T on transcript NM_002863.5 (MANE Select); coding-DNA position 1195, C replaced by T.
Protein change: p.Arg399Ter; replaces arginine 399 with a stop codon.
Molecular consequence: nonsense.
Genome position (GRCh38, 1-based): chr14:50,915,869, G>A on the plus strand (C>T on the coding strand, the complement: PYGL is on the minus strand). VCF-style: chr14-50915869-G-A. GRCh37 (hg19) VCF-style: chr14-51382587-G-A.
Other names: c.1093C>T, p.Arg365Ter (NM_001163940.2); short protein forms R399*, R365*.
Identifiers: ClinVar variation 21327 (VCV000021327.4), dbSNP rs113993978, ClinGen allele CA341904.